The following is an entry in ClinVar:

ClinVar aggregate classification (germline): Uncertain significance (1 of 4 stars; one submission).

Allele frequency attached by ClinVar (database versions not stated): TOPMed below 0.00001.
gnomAD v4.1: 1 of 1,500,640 alleles (0.000067%); highest among the groups gnomAD compares: Non-Finnish European, 0.000089%; no homozygotes.

Submission:

GeneDx
Classification: Uncertain significance. Last evaluated: 2019-11-15. Review status: criteria provided, single submitter. Criteria: GeneDx Variant Classification Process June 2021. Collection method: clinical testing. Allele origin: germline. Affected: yes.
Comment: Not observed in large population cohorts (Lek et al., 2016); In silico analysis, which includes protein predictors and evolutionary conservation, supports that this variant does not alter protein structure/function; Has not been previously published as pathogenic or benign to our knowledge

NM_021098.3(CACNA1H):c.1988T>C (p.Val663Ala)

Gene: CACNA1H (calcium voltage-gated channel subunit alpha1 H; plus strand). Cytogenetic location: 16p13.3.
Variant type: single nucleotide variant.
Coding change: c.1988T>C on transcript NM_021098.3 (MANE Select); coding-DNA position 1988, T replaced by C.
Protein change: p.Val663Ala; replaces valine 663 with alanine.
Molecular consequence: missense variant.
Genome position (GRCh38, 1-based): chr16:1,202,438, T>C. VCF-style: chr16-1202438-T-C. GRCh37 (hg19) VCF-style: chr16-1252438-T-C.
Other names: c.1988T>C, p.Val663Ala (NM_001005407.2); short protein forms V663A.
Identifiers: ClinVar variation 1316877 (VCV001316877.2), dbSNP rs1401991327, ClinGen allele CA394164083.